The following is an entry in ClinVar:

ClinVar aggregate classification (germline): Uncertain significance (1 of 4 stars; one submission).

Submission:

Quest Diagnostics Nichols Institute San Juan Capistrano
Classification: Uncertain significance. Last evaluated: 2023-08-02. Review status: criteria provided, single submitter. Criteria: Quest Diagnostics criteria. Collection method: clinical testing. Allele origin: unknown.
Comment: To the best of our knowledge, this variant has not been reported in the published literature. It also has not been reported in large, multi-ethnic general populations (Genome Aggregation Database). Analysis of this variant using software algorithms for the prediction of the effect of nucleotide changes on splicing yielded predictions that this variant does not affect EGFR mRNA splicing . Based on the available information, we are unable to determine the clinical significance of this variant.

NM_005228.5(EGFR):c.2646A>T (p.Ala882=)

Gene: EGFR (epidermal growth factor receptor; plus strand). Cytogenetic location: 7p11.2.
Variant type: single nucleotide variant.
Coding change: c.2646A>T on transcript NM_005228.5 (MANE Select); coding-DNA position 2646, A replaced by T.
Protein change: p.Ala882=; no amino-acid change (alanine 882 retained).
Molecular consequence: synonymous variant.
Genome position (GRCh38, 1-based): chr7:55,192,786, A>T. VCF-style: chr7-55192786-A-T. GRCh37 (hg19) VCF-style: chr7-55260479-A-T.
Other names: c.2511A>T, p.Ala837= (NM_001346897.2, NM_001346899.2); c.2646A>T, p.Ala882= (NM_001346898.2); c.2487A>T, p.Ala829= (NM_001346900.2); c.1845A>T, p.Ala615= (NM_001346941.2).
Identifiers: ClinVar variation 2681886 (VCV002681886.1), dbSNP rs2534824227, ClinGen allele CA454965701.